The following is an entry in ClinVar:

ClinVar aggregate classification (germline): Uncertain significance (1 of 4 stars; one submission).

gnomAD v4.1: 1 of 1,614,038 alleles (0.000062%); no homozygotes.

Submission:

Ambry Genetics
Classification: Uncertain significance. Last evaluated: 2024-01-29. Review status: criteria provided, single submitter. Criteria: Ambry Variant Classification Scheme 2023. Collection method: clinical testing. Allele origin: germline.
Comment: The p.I193L variant (also known as c.577A>C), located in coding exon 6 of the NQO1 gene, results from an A to C substitution at nucleotide position 577. The isoleucine at codon 193 is replaced by leucine, an amino acid with highly similar properties. This amino acid position is conserved. In addition, this alteration is predicted to be tolerated by in silico analysis. Based on the available evidence, the clinical significance of this alteration remains unclear.

NM_000903.3(NQO1):c.577A>C (p.Ile193Leu)

Gene: NQO1 (NAD(P)H quinone dehydrogenase 1; minus strand). Cytogenetic location: 16q22.1.
Variant type: single nucleotide variant.
Coding change: c.577A>C on transcript NM_000903.3 (MANE Select); coding-DNA position 577, A replaced by C.
Protein change: p.Ile193Leu; replaces isoleucine 193 with leucine.
Molecular consequence: missense variant.
Genome position (GRCh38, 1-based): chr16:69,711,224, T>G on the plus strand (A>C on the coding strand, the complement: NQO1 is on the minus strand). VCF-style: chr16-69711224-T-G. GRCh37 (hg19) VCF-style: chr16-69745127-T-G.
Other names: c.475A>C, p.Ile159Leu (NM_001025433.2); c.463A>C, p.Ile155Leu (NM_001025434.2); c.361A>C, p.Ile121Leu (NM_001286137.2); short protein forms I121L, I155L, I159L, I193L.
Identifiers: ClinVar variation 3232315 (VCV003232315.1), dbSNP rs2151741831, ClinGen allele CA396487842.